The following is an entry in ClinVar:

ClinVar aggregate classification (germline): Uncertain significance (1 of 4 stars; one submission).

Conditions:
DICER1-related tumor predisposition. Also called: DICER1-related pleuropulmonary blastoma cancer predisposition syndrome; DICER1 syndrome. Identifiers: Orphanet 284343, MedGen C3839822, MONDO:0100216.

Submission:

Labcorp Genetics (formerly Invitae), Labcorp
Classification: Uncertain significance for DICER1-related tumor predisposition. Last evaluated: 2024-02-07. Review status: criteria provided, single submitter. Criteria: Invitae Variant Classification Sherloc (09022015). Collection method: clinical testing. Allele origin: germline.
Comment: This sequence change replaces aspartic acid, which is acidic and polar, with asparagine, which is neutral and polar, at codon 538 of the DICER1 protein (p.Asp538Asn). This variant is not present in population databases (gnomAD no frequency). This variant has not been reported in the literature in individuals affected with DICER1-related conditions. Advanced modeling of protein sequence and biophysical properties (such as structural, functional, and spatial information, amino acid conservation, physicochemical variation, residue mobility, and thermodynamic stability) has been performed at Invitae for this missense variant, however the output from this modeling did not meet the statistical confidence thresholds required to predict the impact of this variant on DICER1 protein function. In summary, the available evidence is currently insufficient to determine the role of this variant in disease. Therefore, it has been classified as a Variant of Uncertain Significance.

NM_177438.3(DICER1):c.1612G>A (p.Asp538Asn)

Gene: DICER1 (dicer 1, ribonuclease III; minus strand). Cytogenetic location: 14q32.13.
Variant type: single nucleotide variant.
Coding change: c.1612G>A on transcript NM_177438.3 (MANE Select); coding-DNA position 1612, G replaced by A.
Protein change: p.Asp538Asn; replaces aspartic acid 538 with asparagine.
Molecular consequence: missense variant. On other transcripts: non-coding transcript variant (6), intron variant (1).
Genome position (GRCh38, 1-based): chr14:95,116,593, C>T on the plus strand (G>A on the coding strand, the complement: DICER1 is on the minus strand). VCF-style: chr14-95116593-C-T. GRCh37 (hg19) VCF-style: chr14-95582930-C-T.
Other names: c.1612G>A, p.Asp538Asn (NM_001195573.1, NM_001271282.3, NM_001291628.2 and 12 more transcripts); c.1330G>A, p.Asp444Asn (NM_001395686.1); c.1207G>A, p.Asp403Asn (NM_001395687.1, NM_001395688.1, NM_001395689.1 and 3 more transcripts); c.1045G>A, p.Asp349Asn (NM_001395691.1); c.-59-13G>A (NM_001395697.1); short protein forms D444N, D538N, D349N, D403N.
Identifiers: ClinVar variation 3639398 (VCV003639398.2).